The following is an entry in ClinVar:

ClinVar aggregate classification (germline): Uncertain significance (1 of 4 stars; one submission).

Submission:

Labcorp Genetics (formerly Invitae), Labcorp
Classification: Uncertain significance. Last evaluated: 2022-04-24. Review status: criteria provided, single submitter. Criteria: Invitae Variant Classification Sherloc (09022015). Collection method: clinical testing. Allele origin: germline.
Comment: This sequence change replaces alanine, which is neutral and non-polar, with serine, which is neutral and polar, at codon 710 of the FBXO11 protein (p.Ala710Ser). This variant is not present in population databases (gnomAD no frequency). This variant has not been reported in the literature in individuals affected with FBXO11-related conditions. Algorithms developed to predict the effect of missense changes on protein structure and function are either unavailable or do not agree on the potential impact of this missense change (SIFT: "Deleterious"; PolyPhen-2: "Probably Damaging"; Align-GVGD: "Class C0"). In summary, the available evidence is currently insufficient to determine the role of this variant in disease. Therefore, it has been classified as a Variant of Uncertain Significance.

NM_001190274.2(FBXO11):c.2128G>T (p.Ala710Ser)

Gene: FBXO11 (F-box protein 11; minus strand). Cytogenetic location: 2p16.3.
Variant type: single nucleotide variant.
Coding change: c.2128G>T on transcript NM_001190274.2 (MANE Select); coding-DNA position 2128, G replaced by T.
Protein change: p.Ala710Ser; replaces alanine 710 with serine.
Molecular consequence: missense variant.
Genome position (GRCh38, 1-based): chr2:47,813,333, C>A on the plus strand (G>T on the coding strand, the complement: FBXO11 is on the minus strand). VCF-style: chr2-47813333-C-A. GRCh37 (hg19) VCF-style: chr2-48040472-C-A.
Other names: c.1876G>T, p.Ala626Ser (NM_001374325.1, NM_025133.4); short protein forms A626S, A710S.
Identifiers: ClinVar variation 2130064 (VCV002130064.4), dbSNP rs2531003427, ClinGen allele CA346763378.